The following is an entry in ClinVar:

ClinVar aggregate classification (germline): Uncertain significance (1 of 4 stars; one submission).

Allele frequency attached by ClinVar (database versions not stated): gnomAD exomes below 0.00001.
gnomAD v4.1: 2 of 1,563,310 alleles (0.00013%); highest among the groups gnomAD compares: Admixed American, 0.0018%; no homozygotes.

Submission:

GeneDx
Classification: Uncertain significance. Last evaluated: 2023-04-06. Review status: criteria provided, single submitter. Criteria: GeneDx Variant Classification Process June 2021. Collection method: clinical testing. Allele origin: germline. Affected: yes.
Comment: Not observed at significant frequency in large population cohorts (gnomAD); In silico analysis supports that this missense variant does not alter protein structure/function; Has not been previously published as pathogenic or benign to our knowledge; In silico analysis suggests this variant may impact gene splicing. In the absence of RNA/functional studies, the actual effect of this sequence change is unknown.

NM_015141.4(GPD1L):c.5C>T (p.Ala2Val)

Genes: GPD1L (glycerol-3-phosphate dehydrogenase 1 like; plus strand), LOC129936414 (ATAC-STARR-seq lymphoblastoid silent region 14165; plus strand). Cytogenetic location: 3p22.3.
Variant type: single nucleotide variant.
Coding change: c.5C>T on transcript NM_015141.4 (MANE Select); coding-DNA position 5, C replaced by T.
Protein change: p.Ala2Val; replaces alanine 2 with valine.
Molecular consequence: missense variant.
Genome position (GRCh38, 1-based): chr3:32,106,716, C>T. VCF-style: chr3-32106716-C-T. GRCh37 (hg19) VCF-style: chr3-32148208-C-T.
Other names: short protein forms A2V.
Identifiers: ClinVar variation 2662773 (VCV002662773.1), dbSNP rs1474309385, ClinGen allele CA351970159.